The following is an entry in ClinVar:

ClinVar aggregate classification (germline): Uncertain significance. Review status: criteria provided, multiple submitters, no conflicts (2 of 4 stars). 3 submissions from 3 submitters: Uncertain significance (3). Last evaluated 2025-06-23.

Conditions:
Inborn genetic diseases. Identifiers: MedGen C0950123, MeSH D030342.
Nemaline myopathy 2 (NEM2). Also called: Nemaline myopathy 2, autosomal recessive. Identifiers: MedGen C1850569, MONDO:0009725, OMIM 256030.

Allele frequency attached by ClinVar (database versions not stated): gnomAD 0.00001; gnomAD exomes 0.00001; ExAC 0.00002; TOPMed 0.00002.
gnomAD v4.1: 23 of 1,613,702 alleles (0.0014%); highest among the groups gnomAD compares: Middle Eastern, 0.016%; no homozygotes.

Submissions (3):

Ambry Genetics
Classification: Uncertain significance for Inborn genetic diseases. Last evaluated: 2025-06-23. Review status: criteria provided, single submitter. Criteria: Ambry Variant Classification Scheme 2023. Collection method: clinical testing. Allele origin: germline.

GeneDx
Classification: Uncertain significance. Last evaluated: 2022-08-23. Review status: criteria provided, single submitter. Criteria: GeneDx Variant Classification Process June 2021. Collection method: clinical testing. Allele origin: germline. Affected: yes.
Comment: Not observed at significant frequency in large population cohorts (gnomAD); In silico analysis supports that this missense variant has a deleterious effect on protein structure/function; Has not been previously published as pathogenic or benign to our knowledge

Labcorp Genetics (formerly Invitae), Labcorp
Classification: Uncertain significance for Nemaline myopathy 2. Last evaluated: 2022-08-15. Review status: criteria provided, single submitter. Criteria: Invitae Variant Classification Sherloc (09022015). Collection method: clinical testing. Allele origin: germline.
Comment: This sequence change replaces arginine, which is basic and polar, with tryptophan, which is neutral and slightly polar, at codon 2644 of the NEB protein (p.Arg2644Trp). This variant is present in population databases (rs747546709, gnomAD 0.004%). This variant has not been reported in the literature in individuals affected with NEB-related conditions. Algorithms developed to predict the effect of missense changes on protein structure and function are either unavailable or do not agree on the potential impact of this missense change (SIFT: "Deleterious"; PolyPhen-2: "Not Available"; Align-GVGD: "Class C0"). In summary, the available evidence is currently insufficient to determine the role of this variant in disease. Therefore, it has been classified as a Variant of Uncertain Significance.

NM_001164508.2(NEB):c.7930C>T (p.Arg2644Trp)

Gene: NEB (nebulin; minus strand). Cytogenetic location: 2q23.3.
Variant type: single nucleotide variant.
Coding change: c.7930C>T on transcript NM_001164508.2 (MANE Select); coding-DNA position 7930, C replaced by T.
Protein change: p.Arg2644Trp; replaces arginine 2644 with tryptophan.
Molecular consequence: missense variant.
Genome position (GRCh38, 1-based): chr2:151,643,844, G>A on the plus strand (C>T on the coding strand, the complement: NEB is on the minus strand). VCF-style: chr2-151643844-G-A. GRCh37 (hg19) VCF-style: chr2-152500358-G-A.
Other names: c.7930C>T (NM_004543.4); c.7930C>T, p.Arg2644Trp (NM_001164507.2, NM_001271208.2, NM_004543.5); short protein forms R2644W.
Identifiers: ClinVar variation 2051453 (VCV002051453.3), dbSNP rs747546709, ClinGen allele CA1909725.